The following is an entry in ClinVar:

ClinVar aggregate classification (germline): Uncertain significance (1 of 4 stars; one submission).

Submission:

Dasa
Classification: Uncertain significance. Last evaluated: 2025-02-10. Review status: criteria provided, single submitter. Criteria: DASA Assertion Criteria. Collection method: clinical testing. Allele origin: germline.
Comment: NM_000535.7(PMS2):c.164A>G (p.Asp55Gly) is a missense variant that results in the substitution of aspartic acid with glycine. This variant is rare in population databases. Computational prediction algorithms are consistent with a deleterious effect. The currently available literature and clinical evidence are not sufficient to establish a definitive association between this variant and the reported condition. Therefore, this variant is classified as a variant of uncertain significance.

NM_000535.7(PMS2):c.164A>G (p.Asp55Gly)

Gene: PMS2 (PMS1 homolog 2, mismatch repair system component; minus strand). Cytogenetic location: 7p22.1.
Variant type: single nucleotide variant.
Coding change: c.164A>G on transcript NM_000535.7 (MANE Select); coding-DNA position 164, A replaced by G.
Protein change: p.Asp55Gly; replaces aspartic acid 55 with glycine.
Molecular consequence: missense variant. On other transcripts: 5 prime UTR variant (44), non-coding transcript variant (1), intron variant (1).
Genome position (GRCh38, 1-based): chr7:6,004,058, T>C on the plus strand (A>G on the coding strand, the complement: PMS2 is on the minus strand). VCF-style: chr7-6004058-T-C. GRCh37 (hg19) VCF-style: chr7-6043689-T-C.
Other names: c.-242A>G (NM_001322003.2, NM_001322004.2, NM_001322005.2 and 13 more transcripts); c.164A>G, p.Asp55Gly (NM_001322006.2, NM_001322014.2, NM_001406868.1 and 10 more transcripts); c.-52A>G (NM_001322007.2, NM_001322008.2, NM_001406876.1 and 4 more transcripts); c.-721A>G (NM_001322011.2, NM_001322012.2); c.-321A>G (NM_001322015.2, NM_001406875.1, NM_001406877.1 and 3 more transcripts); c.350A>G, p.Asp117Gly (NM_001406866.1); c.-268A>G (NM_001406880.1); c.-218A>G (NM_001406881.1, NM_001406900.1); and 3 more; short protein forms D117G, D55G.
Identifiers: ClinVar variation 5021003 (VCV005021003.1).
Genomic context (GRCh38, chr7:6,004,058, plus strand): 5'-ACCCCACATCCATTGTCTGAAACTTCAATAAGATCCACTCCATAGTCCTTAAGCTTTAGA[T>C]CTAGAAAGTTTAAAATATTTACATATTTATTAAAAACGGACCCATGCTATCAGTTTTTAT-3'
Protein context (NP_000526.2, residues 45-65): NSLDAGATNI[Asp55Gly]LKLKDYGVDL